The following is an entry in ClinVar:

NM_000238.4(KCNH2):c.2673C>T (p.Phe891=)

Gene: KCNH2 (potassium voltage-gated channel subfamily H member 2; minus strand). Cytogenetic location: 7q36.1.
Variant type: single nucleotide variant.
Coding change: c.2673C>T on transcript NM_000238.4 (MANE Select); coding-DNA position 2673, C replaced by T.
Protein change: p.Phe891=; no amino-acid change (phenylalanine 891 retained).
Molecular consequence: synonymous variant.
Genome position (GRCh38, 1-based): chr7:150,948,463, G>A on the plus strand (C>T on the coding strand, the complement: KCNH2 is on the minus strand). VCF-style: chr7-150948463-G-A. GRCh37 (hg19) VCF-style: chr7-150645551-G-A.
Other names: c.1653C>T, p.Phe551= (NM_172057.3).
Identifiers: ClinVar variation 1172183 (VCV001172183.14), dbSNP rs776954605, ClinGen allele CA033902.

ClinVar aggregate classification (germline): Likely benign. Review status: criteria provided, multiple submitters, no conflicts (2 of 4 stars). 4 submissions from 4 submitters: Likely benign (4). Last evaluated 2024-07-11.

Conditions:
Cardiac arrhythmia. Also called: Arrhythmia; Cardiac rhythm disease. Identifiers: MedGen C0003811, MONDO:0007263, HP:0011675.
Long QT syndrome (LQTS). Identifiers: MedGen C0023976, MeSH D008133, MONDO:0002442. Disease mechanism: loss of function. Inheritance: Various modes of inheritance.
Cardiovascular phenotype. Identifiers: MedGen CN230736.

Allele frequency attached by ClinVar (database versions not stated): gnomAD exomes 0.00001; TOPMed 0.00002; ExAC 0.00003.
gnomAD v4.1: 5 of 1,610,146 alleles (0.00031%); highest among the groups gnomAD compares: Non-Finnish European, 0.00042%; no homozygotes.

Submissions (4):

Ambry Genetics
Classification: Likely benign for Cardiovascular phenotype. Last evaluated: 2024-07-11. Review status: criteria provided, single submitter. Criteria: Ambry Variant Classification Scheme 2023. Collection method: clinical testing. Allele origin: germline.

All of Us Research Program, National Institutes of Health
Classification: Likely benign for Long QT syndrome. Last evaluated: 2023-10-02. Review status: criteria provided, single submitter. Criteria: ACMG Guidelines, 2015. Collection method: clinical testing. Allele origin: germline. Inheritance: Autosomal dominant inheritance. Observed: 2 variant alleles, 2 heterozygotes.
Comment: This study involves interpretation of variants in research participants for the purpose of population health screening. Participant phenotype was not available at the time of variant classification. Additional details can be found in publication PMID: 35346344, PMCID: PMC8962531

Labcorp Genetics (formerly Invitae), Labcorp
Classification: Likely benign for Long QT syndrome. Last evaluated: 2023-05-22. Review status: criteria provided, single submitter. Criteria: Invitae Variant Classification Sherloc (09022015). Collection method: clinical testing. Allele origin: germline.

Color Diagnostics, LLC DBA Color Health
Classification: Likely benign for Cardiac arrhythmia. Last evaluated: 2021-01-19. Review status: criteria provided, single submitter. Criteria: ACMG Guidelines, 2015. Collection method: clinical testing. Allele origin: germline.